The following is an entry in ClinVar:

NM_000334.4(SCN4A):c.5086G>A (p.Ala1696Thr)

Genes: GH-LCR (growth hormone locus control region; plus strand), SCN4A (sodium voltage-gated channel alpha subunit 4; minus strand). Cytogenetic location: 17q23.3.
Variant type: single nucleotide variant.
Coding change: c.5086G>A on transcript NM_000334.4 (MANE Select); coding-DNA position 5086, G replaced by A.
Protein change: p.Ala1696Thr; replaces alanine 1696 with threonine.
Molecular consequence: missense variant.
Genome position (GRCh38, 1-based): chr17:63,941,196, C>T on the plus strand (G>A on the coding strand, the complement: SCN4A is on the minus strand). VCF-style: chr17-63941196-C-T. GRCh37 (hg19) VCF-style: chr17-62018556-C-T.
Other names: short protein forms A1696T.
Identifiers: ClinVar variation 864457 (VCV000864457.15), dbSNP rs769365503, ClinGen allele CA8708837.

ClinVar aggregate classification (germline): Uncertain significance. Review status: criteria provided, multiple submitters, no conflicts (2 of 4 stars). 4 submissions from 4 submitters: Uncertain significance (4). Last evaluated 2025-10-26.

Conditions:
Hyperkalemic periodic paralysis. Also called: Familial hyperkalemic periodic paralysis; Gamstorp disease. Identifiers: Orphanet 682, MedGen C0238357, MONDO:0008224, OMIM 170500, HP:0007215.
Congenital myopathy 22A, classic (CMYO22A). Identifiers: MedGen C5830453, MONDO:0957247, OMIM 620351.
Congenital myopathy 22B, severe fetal (CMYO22B). Identifiers: MedGen C5830501, MONDO:0957265, OMIM 620369.
Paramyotonia congenita of Von Eulenburg. Also called: Eulenburg disease; Myotonia congenita intermittens; Von Eulenburg paramyotonia congenita; Paramyotonia Congenita; PARALYSIS PERIODICA PARAMYOTONICA. Identifiers: Orphanet 684, MedGen C0221055, MONDO:0008195, OMIM 168300. Disease mechanism: loss of function.
Hypokalemic periodic paralysis, type 2 (HOKPP2). Identifiers: Orphanet 681, MedGen C2750061, MONDO:0013234, OMIM 613345.
Potassium-aggravated myotonia. Also called: MYOTONIA CONGENITA, ACETAZOLAMIDE-RESPONSIVE; MYOTONIA CONGENITA, ATYPICAL; SODIUM CHANNEL MUSCLE DISEASE; Myotonia congenita, atypical, acetazolamide-responsive. Identifiers: Orphanet 612, Orphanet 99734, Orphanet 99735, Orphanet 99736, MedGen C2931826, MONDO:0018959, OMIM 608390.
Congenital myasthenic syndrome 16. Identifiers: Orphanet 590, MedGen C3280112, MONDO:0013620, OMIM 614198.

Allele frequency attached by ClinVar (database versions not stated): gnomAD exomes 0.00008; TOPMed 0.00001; gnomAD 0.00002.
gnomAD v4.1: 136 of 1,613,640 alleles (0.0084%); highest among the groups gnomAD compares: African/African-American, 0.013%; 1 homozygote.

Submissions (4):

Labcorp Genetics (formerly Invitae), Labcorp
Classification: Uncertain significance for Hyperkalemic periodic paralysis. Last evaluated: 2025-10-26. Review status: criteria provided, single submitter. Criteria: Invitae Variant Classification Sherloc (09022015). Collection method: clinical testing. Allele origin: germline.
Comment: This sequence change replaces alanine, which is neutral and non-polar, with threonine, which is neutral and polar, at codon 1696 of the SCN4A protein (p.Ala1696Thr). The frequency data for this variant in the population databases is considered unreliable, as metrics indicate poor data quality at this position in the gnomAD database. This variant has not been reported in the literature in individuals affected with SCN4A-related conditions. ClinVar contains an entry for this variant (Variation ID: 864457). Invitae Evidence Modeling of protein sequence and biophysical properties (such as structural, functional, and spatial information, amino acid conservation, physicochemical variation, residue mobility, and thermodynamic stability) indicates that this missense variant is not expected to disrupt SCN4A protein function with a negative predictive value of 95%. In summary, the available evidence is currently insufficient to determine the role of this variant in disease. Therefore, it has been classified as a Variant of Uncertain Significance.

Fulgent Genetics
Classification: Uncertain significance for Paramyotonia congenita of Von Eulenburg; Hyperkalemic periodic paralysis; Potassium-aggravated myotonia; Hypokalemic periodic paralysis, type 2; Congenital myasthenic syndrome 16; Congenital myopathy 22A, classic; Congenital myopathy 22B, severe fetal. Last evaluated: 2024-02-05. Review status: criteria provided, single submitter. Criteria: ACMG Guidelines, 2015. Collection method: clinical testing. Allele origin: germline.

Revvity Omics, Revvity
Classification: Uncertain significance. Last evaluated: 2022-12-14. Review status: criteria provided, single submitter. Criteria: ACMG Guidelines, 2015. Collection method: clinical testing. Allele origin: germline.

GeneDx
Classification: Uncertain significance. Last evaluated: 2021-10-29. Review status: criteria provided, single submitter. Criteria: GeneDx Variant Classification Process June 2021. Collection method: clinical testing. Allele origin: germline. Affected: yes.
Comment: In silico analysis supports that this missense variant does not alter protein structure/function; Has not been previously published as pathogenic or benign to our knowledge